The following is an entry in ClinVar:

ClinVar aggregate classification (germline): Uncertain significance (1 of 4 stars; one submission).

gnomAD v4.1: 1 of 1,614,190 alleles (0.000062%); highest among the groups gnomAD compares: Non-Finnish European, 0.000085%; no homozygotes.

Submission:

Women's Health and Genetics/Laboratory Corporation of America, LabCorp
Classification: Uncertain significance. Last evaluated: 2026-01-28. Review status: criteria provided, single submitter. Criteria: LabCorp Variant Classification Summary - May 2015. Collection method: clinical testing. Allele origin: germline.
Comment: Variant summary: RELN c.9646G>A (p.Glu3216Lys) results in a conservative amino acid change in the encoded protein sequence. Algorithms developed to predict the effect of missense changes on protein structure and function are either unavailable or do not agree on the potential impact of this missense change. The variant allele was found at a frequency of 4e-06 in 251252 control chromosomes. The available data on variant occurrences in the general population are insufficient to allow any conclusion about variant significance. To our knowledge, no occurrence of c.9646G>A in individuals affected with RELN-related conditions and no experimental evidence demonstrating its impact on protein function have been reported. No submitters have cited clinical-significance assessments for this variant to ClinVar. Based on the evidence outlined above, the variant was classified as uncertain significance.

NM_005045.4(RELN):c.9646G>A (p.Glu3216Lys)

Genes: RELN (reelin; minus strand), SLC26A5-AS1 (SLC26A5 antisense RNA 1; plus strand), LOC126860130 (BRD4-independent group 4 enhancer GRCh37_chr7:103130126-103131325; plus strand). Cytogenetic location: 7q22.1.
Variant type: single nucleotide variant.
Coding change: c.9646G>A on transcript NM_005045.4 (MANE Select); coding-DNA position 9646, G replaced by A.
Protein change: p.Glu3216Lys; replaces glutamic acid 3216 with lysine.
Molecular consequence: missense variant.
Genome position (GRCh38, 1-based): chr7:103,489,859, C>T on the plus strand (G>A on the coding strand, the complement: RELN is on the minus strand). VCF-style: chr7-103489859-C-T. GRCh37 (hg19) VCF-style: chr7-103130306-C-T.
Other names: c.9646G>A, p.Glu3216Lys (NM_173054.3); short protein forms E3216K.
Identifiers: ClinVar variation 4689127 (VCV004689127.1).